The following is an entry in ClinVar:

ClinVar aggregate classification (germline): Uncertain significance (1 of 4 stars; one submission).

Submission:

Labcorp Genetics (formerly Invitae), Labcorp
Classification: Uncertain significance. Last evaluated: 2022-12-02. Review status: criteria provided, single submitter. Criteria: Invitae Variant Classification Sherloc (09022015). Collection method: clinical testing. Allele origin: germline.
Comment: In summary, the available evidence is currently insufficient to determine the role of this variant in disease. Therefore, it has been classified as a Variant of Uncertain Significance. Algorithms developed to predict the effect of missense changes on protein structure and function (SIFT, PolyPhen-2, Align-GVGD) all suggest that this variant is likely to be tolerated. ClinVar contains an entry for this variant (Variation ID: 1480166). This variant has not been reported in the literature in individuals affected with AP3D1-related conditions. This variant is not present in population databases (gnomAD no frequency). This sequence change replaces serine, which is neutral and polar, with proline, which is neutral and non-polar, at codon 1044 of the AP3D1 protein (p.Ser1044Pro).

NM_001261826.3(AP3D1):c.3130T>C (p.Ser1044Pro)

Gene: AP3D1 (adaptor related protein complex 3 subunit delta 1; minus strand). Cytogenetic location: 19p13.3.
Variant type: single nucleotide variant.
Coding change: c.3130T>C on transcript NM_001261826.3 (MANE Select); coding-DNA position 3130, T replaced by C.
Protein change: p.Ser1044Pro; replaces serine 1044 with proline.
Molecular consequence: missense variant.
Genome position (GRCh38, 1-based): chr19:2,110,752, A>G on the plus strand (T>C on the coding strand, the complement: AP3D1 is on the minus strand). VCF-style: chr19-2110752-A-G. GRCh37 (hg19) VCF-style: chr19-2110751-A-G.
Other names: c.3094T>C, p.Ser1032Pro (NM_001374799.1); c.2944T>C, p.Ser982Pro (NM_003938.8); short protein forms S982P, S1032P, S1044P.
Identifiers: ClinVar variation 1480166 (VCV001480166.6), dbSNP rs2145015748, ClinGen allele CA403202265.